The following is an entry in ClinVar:

NM_022042.4(SLC26A1):c.763G>A (p.Gly255Ser)

Genes: IDUA (alpha-L-iduronidase; plus strand), SLC26A1 (solute carrier family 26 member 1; minus strand). Cytogenetic location: 4p16.3.
Variant type: single nucleotide variant.
Coding change: c.763G>A on transcript NM_022042.4 (MANE Select); coding-DNA position 763, G replaced by A.
Protein change: p.Gly255Ser; replaces glycine 255 with serine.
Molecular consequence: missense variant. On other transcripts: intron variant (2).
Genome position (GRCh38, 1-based): chr4:990,176, C>T on the plus strand (G>A on the coding strand, the complement: SLC26A1 is on the minus strand). VCF-style: chr4-990176-C-T. GRCh37 (hg19) VCF-style: chr4-983964-C-T.
Other names: c.763G>A, p.Gly255Ser (NM_213613.4); c.576+952G>A (NM_134425.4); c.299+2227C>T (NM_000203.5); c.763G>A (NM_213613.2); short protein forms G255S.
Identifiers: ClinVar variation 961738 (VCV000961738.12), dbSNP rs773823235, ClinGen allele CA2801554.

ClinVar aggregate classification (germline): Conflicting classifications of pathogenicity. Review status: criteria provided, conflicting classifications (1 of 4 stars). 3 submissions from 3 submitters: Uncertain significance (2); Likely benign (1). Last evaluated 2025-02-19.

Conditions:
Inborn genetic diseases. Identifiers: MedGen C0950123, MeSH D030342.
Nephrolithiasis, calcium oxalate. Also called: Calcium oxalate urolithiasis. Identifiers: MedGen C1833683, MONDO:0957318, HP:0008672.

Allele frequency attached by ClinVar (database versions not stated): gnomAD exomes 0.00001; TOPMed 0.00006; gnomAD 0.00008; 1000 Genomes Project 30x 0.00016.
gnomAD v4.1: 28 of 1,560,278 alleles (0.0018%); highest among the groups gnomAD compares: African/African-American, 0.0081%; no homozygotes.

Submissions (3):

Ambry Genetics
Classification: Likely benign for Inborn genetic diseases. Last evaluated: 2025-02-19. Review status: criteria provided, single submitter. Criteria: Ambry Variant Classification Scheme 2023. Collection method: clinical testing. Allele origin: germline.

Labcorp Genetics (formerly Invitae), Labcorp
Classification: Uncertain significance. Last evaluated: 2023-10-17. Review status: criteria provided, single submitter. Criteria: Invitae Variant Classification Sherloc (09022015). Collection method: clinical testing. Allele origin: germline.
Comment: This sequence change replaces glycine, which is neutral and non-polar, with serine, which is neutral and polar, at codon 255 of the SLC26A1 protein (p.Gly255Ser). This variant is present in population databases (rs773823235, gnomAD 0.008%). This variant has not been reported in the literature in individuals affected with SLC26A1-related conditions. ClinVar contains an entry for this variant (Variation ID: 961738). Advanced modeling of protein sequence and biophysical properties (such as structural, functional, and spatial information, amino acid conservation, physicochemical variation, residue mobility, and thermodynamic stability) performed at Invitae indicates that this missense variant is not expected to disrupt SLC26A1 protein function. In summary, the available evidence is currently insufficient to determine the role of this variant in disease. Therefore, it has been classified as a Variant of Uncertain Significance.

Fulgent Genetics
Classification: Uncertain significance for Nephrolithiasis susceptibility caused by SLC26A1. Last evaluated: 2021-12-09. Review status: criteria provided, single submitter. Criteria: ACMG Guidelines, 2015. Collection method: clinical testing. Allele origin: unknown.